The following is an entry in ClinVar:

NM_018076.5(ODAD2):c.2414T>C (p.Leu805Pro)

Gene: ODAD2 (outer dynein arm docking complex subunit 2; minus strand). Cytogenetic location: 10p12.1.
Variant type: single nucleotide variant.
Coding change: c.2414T>C on transcript NM_018076.5 (MANE Select); coding-DNA position 2414, T replaced by C.
Protein change: p.Leu805Pro; replaces leucine 805 with proline.
Molecular consequence: missense variant.
Genome position (GRCh38, 1-based): chr10:27,935,091, A>G on the plus strand (T>C on the coding strand, the complement: ODAD2 is on the minus strand). VCF-style: chr10-27935091-A-G. GRCh37 (hg19) VCF-style: chr10-28224020-A-G.
Other names: c.2414T>C, p.Leu805Pro (NM_001290020.2); c.989T>C, p.Leu330Pro (NM_001290021.2); c.1490T>C, p.Leu497Pro (NM_001312689.2); short protein forms L497P, L330P, L805P.
Identifiers: ClinVar variation 834953 (VCV000834953.7), dbSNP rs1845871886, ClinGen allele CA376391371.

ClinVar aggregate classification (germline): Uncertain significance (1 of 4 stars; one submission).

Conditions:
Primary ciliary dyskinesia 23 (CILD23). Also called: CILIARY DYSKINESIA, PRIMARY, 23, WITH OR WITHOUT SITUS INVERSUS. Identifiers: Orphanet 244, MedGen C3809548, MONDO:0014193, OMIM 615451.

Submission:

Labcorp Genetics (formerly Invitae), Labcorp
Classification: Uncertain significance for Primary ciliary dyskinesia 23. Last evaluated: 2019-10-29. Review status: criteria provided, single submitter. Criteria: Invitae Variant Classification Sherloc (09022015). Collection method: clinical testing. Allele origin: germline.
Comment: In summary, the available evidence is currently insufficient to determine the role of this variant in disease. Therefore, it has been classified as a Variant of Uncertain Significance. Algorithms developed to predict the effect of missense changes on protein structure and function are either unavailable or do not agree on the potential impact of this missense change (SIFT: "Deleterious"; PolyPhen-2: "Probably Damaging"; Align-GVGD: "Class C0"). This variant has not been reported in the literature in individuals with ARMC4-related conditions. This variant is not present in population databases (ExAC no frequency). This sequence change replaces leucine with proline at codon 805 of the ARMC4 protein (p.Leu805Pro). The leucine residue is highly conserved and there is a moderate physicochemical difference between leucine and proline.